The following is an entry in ClinVar:

NM_000038.6(APC):c.7896A>C (p.Ser2632=)

Gene: APC (APC regulator of Wnt signaling pathway; plus strand). Cytogenetic location: 5q22.2.
Variant type: single nucleotide variant.
Coding change: c.7896A>C on transcript NM_000038.6 (MANE Select); coding-DNA position 7896, A replaced by C.
Protein change: p.Ser2632=; no amino-acid change (serine 2632 retained).
Molecular consequence: synonymous variant. On other transcripts: non-coding transcript variant (2).
Genome position (GRCh38, 1-based): chr5:112,843,490, A>C. VCF-style: chr5-112843490-A-C. GRCh37 (hg19) VCF-style: chr5-112179187-A-C.
Other names: c.7896A>C, p.Ser2632= (NM_001127510.3, NM_001354895.2, NM_001407450.1); c.7842A>C, p.Ser2614= (NM_001127511.3); c.7950A>C, p.Ser2650= (NM_001354896.2, NM_001407447.1, NM_001407448.1 and 1 more transcripts); c.7926A>C, p.Ser2642= (NM_001354897.2); c.7821A>C, p.Ser2607= (NM_001354898.2); c.7812A>C, p.Ser2604= (NM_001354899.2); c.7773A>C, p.Ser2591= (NM_001354900.2); c.7719A>C, p.Ser2573= (NM_001354901.2, NM_001407453.1); and 11 more.
Identifiers: ClinVar variation 3254232 (VCV003254232.1), dbSNP rs779015041.

ClinVar aggregate classification (germline): Benign (1 of 4 stars; one submission).

Conditions:
Familial adenomatous polyposis 1 (FAP1). Also called: FAMILIAL ADENOMATOUS POLYPOSIS 1, ATTENUATED; POLYPOSIS, ADENOMATOUS INTESTINAL. Identifiers: MedGen C2713442, MONDO:0021056, OMIM 175100. Disease mechanism: loss of function.

Allele frequency attached by ClinVar (database versions not stated): ExAC 0.00001.
gnomAD v4.1: 1 of 1,613,992 alleles (0.000062%); highest among the groups gnomAD compares: South Asian, 0.0011%; no homozygotes.

Submission:

Myriad Genetics, Inc.
Classification: Benign for Familial adenomatous polyposis 1. Last evaluated: 2024-04-11. Review status: criteria provided, single submitter. Criteria: Myriad Autosomal Dominant, Autosomal Recessive and X-Linked Classification Criteria (2023). Collection method: clinical testing. Allele origin: unknown.
Comment: This variant is considered benign. This variant is a silent/synonymous amino acid change and it is not expected to impact splicing.